The following is an entry in ClinVar:

ClinVar aggregate classification (germline): Uncertain significance. Review status: criteria provided, multiple submitters, no conflicts (2 of 4 stars). 2 submissions from 2 submitters: Uncertain significance (2). Last evaluated 2020-07-12.

Conditions:
Dilated cardiomyopathy 1R (CMD1R). Identifiers: Orphanet 154, Orphanet 54260, MedGen C3150681, MONDO:0013261, OMIM 613424.
Atrial septal defect 5 (ASD5). Identifiers: Orphanet 1478, MedGen C2748552, MONDO:0013011, OMIM 612794.
Hypertrophic cardiomyopathy 11. Also called: ACTC1-Related Familial Hypertrophic Cardiomyopathy. Identifiers: MedGen C2677506, MONDO:0012799, OMIM 612098.

Allele frequency attached by ClinVar (database versions not stated): TOPMed below 0.00001; gnomAD 0.00001.
gnomAD v4.1: 1 of 1,613,984 alleles (0.000062%); highest among the groups gnomAD compares: Non-Finnish European, 0.000085%; no homozygotes.

Submissions (2):

Labcorp Genetics (formerly Invitae), Labcorp
Classification: Uncertain significance for Dilated cardiomyopathy 1R; Hypertrophic cardiomyopathy 11; Atrial septal defect 5. Last evaluated: 2020-07-12. Review status: criteria provided, single submitter. Criteria: Invitae Variant Classification Sherloc (09022015). Collection method: clinical testing. Allele origin: germline.
Comment: This sequence change replaces proline with leucine at codon 104 of the ACTC1 protein (p.Pro104Leu). The proline residue is highly conserved and there is a moderate physicochemical difference between proline and leucine. This variant is not present in population databases (ExAC no frequency). This variant has not been reported in the literature in individuals with ACTC1-related conditions. ClinVar contains an entry for this variant (Variation ID: 636464). Algorithms developed to predict the effect of missense changes on protein structure and function (SIFT, PolyPhen-2, Align-GVGD) all suggest that this variant is likely to be disruptive, but these predictions have not been confirmed by published functional studies and their clinical significance is uncertain. In summary, the available evidence is currently insufficient to determine the role of this variant in disease. Therefore, it has been classified as a Variant of Uncertain Significance.

Blueprint Genetics
Classification: Uncertain significance. Last evaluated: 2017-07-27. Review status: criteria provided, single submitter. Criteria: ACMG Guidelines, 2015. Collection method: clinical testing. Allele origin: germline.

NM_005159.5(ACTC1):c.311C>T (p.Pro104Leu)

Genes: ACTC1 (actin alpha cardiac muscle 1; minus strand), GJD2-DT (GJD2 divergent transcript; plus strand). Cytogenetic location: 15q14.
Variant type: single nucleotide variant.
Coding change: c.311C>T on transcript NM_005159.5 (MANE Select); coding-DNA position 311, C replaced by T.
Protein change: p.Pro104Leu; replaces proline 104 with leucine.
Molecular consequence: missense variant.
Genome position (GRCh38, 1-based): chr15:34,793,388, G>A on the plus strand (C>T on the coding strand, the complement: ACTC1 is on the minus strand). VCF-style: chr15-34793388-G-A. GRCh37 (hg19) VCF-style: chr15-35085589-G-A.
Other names: c.311C>T (LRG_388t1); short protein forms P104L.
Identifiers: ClinVar variation 636464 (VCV000636464.10), dbSNP rs1405829098, ClinGen allele CA391631514.
Genomic context (GRCh38, chr15:34,793,388, plus strand): 5'-ATCTGAGTCATCTTCTCCCGGTTGGCCTTGGGGTTCAGCGGGGCCTCTGTGAGCAGGGTG[G>A]GGTGCTCCTCGGGAGCCACACGGAGCTCATTGTAGAAGGTGTGGTGCCAGATCTTCTCCA-3'
Protein context (NP_005150.1, residues 94-114): NELRVAPEEH[Pro104Leu]TLLTEAPLNP